The following is an entry in ClinVar:

NM_025179.4(PLXNA2):c.2158A>G (p.Ile720Val)

Gene: PLXNA2 (plexin A2; minus strand). Cytogenetic location: 1q32.2.
Variant type: single nucleotide variant.
Coding change: c.2158A>G on transcript NM_025179.4 (MANE Select); coding-DNA position 2158, A replaced by G.
Protein change: p.Ile720Val; replaces isoleucine 720 with valine.
Molecular consequence: missense variant.
Genome position (GRCh38, 1-based): chr1:208,084,520, T>C on the plus strand (A>G on the coding strand, the complement: PLXNA2 is on the minus strand). VCF-style: chr1-208084520-T-C. GRCh37 (hg19) VCF-style: chr1-208257865-T-C.
Other names: c.2158A>G (NM_025179.3); short protein forms I720V.
Identifiers: ClinVar variation 2155379 (VCV002155379.5), dbSNP rs775134978, ClinGen allele CA1373616.
Genomic context (GRCh38, chr1:208,084,520, plus strand): 5'-CACACTCATAGCCTCGCTGGCCGGACTGCGGCTGGGGCAGATTTCGCGCCTTAAGGGTGA[T>C]TGGCTTTACCTCCCCGACTGGAATCAAGATCTCCTCTGTGGGCACCAGCTGGGGACAGTC-3'
Protein context (NP_079455.3, residues 710-730): ILIPVGEVKP[Ile720Val]TLKARNLPQP

ClinVar aggregate classification (germline): Uncertain significance. Review status: criteria provided, multiple submitters, no conflicts (2 of 4 stars). 2 submissions from 2 submitters: Uncertain significance (2). Last evaluated 2023-10-20.

Allele frequency attached by ClinVar (database versions not stated): gnomAD 0.00003; TOPMed 0.00003; ExAC 0.00004; gnomAD exomes 0.00004.
gnomAD v4.1: 61 of 1,614,086 alleles (0.0038%); highest among the groups gnomAD compares: Non-Finnish European, 0.0049%; no homozygotes.

Submissions (2):

Ambry Genetics
Classification: Uncertain significance. Last evaluated: 2023-10-20. Review status: criteria provided, single submitter. Criteria: Ambry Variant Classification Scheme 2023. Collection method: clinical testing. Allele origin: germline.

Labcorp Genetics (formerly Invitae), Labcorp
Classification: Uncertain significance. Last evaluated: 2022-08-15. Review status: criteria provided, single submitter. Criteria: Invitae Variant Classification Sherloc (09022015). Collection method: clinical testing. Allele origin: germline.
Comment: This sequence change replaces isoleucine, which is neutral and non-polar, with valine, which is neutral and non-polar, at codon 720 of the PLXNA2 protein (p.Ile720Val). This variant is present in population databases (rs775134978, gnomAD 0.006%). This variant has not been reported in the literature in individuals affected with PLXNA2-related conditions. Algorithms developed to predict the effect of missense changes on protein structure and function are either unavailable or do not agree on the potential impact of this missense change (SIFT: "Deleterious"; PolyPhen-2: "Benign"; Align-GVGD: "Class C0"). In summary, the available evidence is currently insufficient to determine the role of this variant in disease. Therefore, it has been classified as a Variant of Uncertain Significance.